The following is an entry in ClinVar:

NM_018906.3(PCDHA3):c.866T>C (p.Ile289Thr)

Genes: PCDHA1 (protocadherin alpha 1; plus strand), PCDHA2 (protocadherin alpha 2; plus strand), PCDHA3 (protocadherin alpha 3; plus strand), PCDHA@ (protocadherin alpha cluster, complex locus; plus strand). Cytogenetic location: 5q31.3.
Variant type: single nucleotide variant.
Coding change: c.866T>C on transcript NM_018906.3 (MANE Select); coding-DNA position 866, T replaced by C.
Protein change: p.Ile289Thr; replaces isoleucine 289 with threonine.
Molecular consequence: missense variant. On other transcripts: intron variant (4).
Genome position (GRCh38, 1-based): chr5:140,802,063, T>C. VCF-style: chr5-140802063-T-C. GRCh37 (hg19) VCF-style: chr5-140181648-T-C.
Other names: c.866T>C, p.Ile289Thr (NM_031497.2); c.2394+13379T>C (NM_018900.4); c.1602+14171T>C (NM_031411.3); c.2388+4711T>C (NM_018905.3); c.2389-2997T>C (NM_031496.2); short protein forms I289T.
Identifiers: ClinVar variation 3060497 (VCV003060497.2), dbSNP rs3733709, ClinGen allele CA3446369.

ClinVar aggregate classification (germline): Benign (0 of 4 stars; one submission).

Conditions:
PCDHA3-related disorder. Also called: PCDHA3-related condition.

Allele frequency attached by ClinVar (database versions not stated): gnomAD exomes 0.12150; ExAC 0.10511; 1000 Genomes Project 30x 0.08620; TOPMed 0.09618; 1000 Genomes Project 0.08446; ESP Exome Variant Server 0.10426; gnomAD 0.10761.
gnomAD v4.1: 193,746 of 1,614,098 alleles (12%); highest among the groups gnomAD compares: Non-Finnish European, 13%; 12,557 homozygotes.

Submission:

PreventionGenetics, part of Exact Sciences
Classification: Benign for PCDHA3-related condition. Last evaluated: 2019-10-21. Review status: no assertion criteria provided. Collection method: clinical testing. Allele origin: germline.
Comment: This variant is classified as benign based on ACMG/AMP sequence variant interpretation guidelines (Richards et al. 2015 PMID: 25741868, with internal and published modifications).